The following is an entry in ClinVar:

ClinVar aggregate classification (germline): Uncertain significance. Review status: criteria provided, multiple submitters, no conflicts (2 of 4 stars). 3 submissions from 3 submitters: Uncertain significance (3). Last evaluated 2026-04-11.

Conditions:
Inborn genetic diseases. Identifiers: MedGen C0950123, MeSH D030342.

Allele frequency attached by ClinVar (database versions not stated): ESP Exome Variant Server 0.00008; gnomAD 0.00006; TOPMed 0.00009; ExAC 0.00003; gnomAD exomes 0.00001.

Submissions (3):

GeneDx
Classification: Uncertain significance. Last evaluated: 2026-04-11. Review status: criteria provided, single submitter. Criteria: GeneDx Variant Classification Process June 2021. Collection method: clinical testing. Allele origin: germline.
Comment: In silico analysis suggests that this missense variant does not alter protein structure/function; Has not been previously published as pathogenic or benign to our knowledge; In silico analysis suggests this variant may impact gene splicing. In the absence of RNA/functional studies, the actual effect of this sequence change is unknown.

Ambry Genetics
Classification: Uncertain significance for Inborn genetic diseases. Last evaluated: 2024-08-15. Review status: criteria provided, single submitter. Criteria: Ambry Variant Classification Scheme 2023. Collection method: clinical testing. Allele origin: germline.

Labcorp Genetics (formerly Invitae), Labcorp
Classification: Uncertain significance. Last evaluated: 2023-06-28. Review status: criteria provided, single submitter. Criteria: Invitae Variant Classification Sherloc (09022015). Collection method: clinical testing. Allele origin: germline.
Comment: In summary, the available evidence is currently insufficient to determine the role of this variant in disease. Therefore, it has been classified as a Variant of Uncertain Significance. Algorithms developed to predict the effect of sequence changes on RNA splicing suggest that this variant may create or strengthen a splice site. Advanced modeling of protein sequence and biophysical properties (such as structural, functional, and spatial information, amino acid conservation, physicochemical variation, residue mobility, and thermodynamic stability) performed at Invitae indicates that this missense variant is not expected to disrupt GPD1 protein function. This variant has not been reported in the literature in individuals affected with GPD1-related conditions. This variant is present in population databases (rs376236464, gnomAD 0.006%). This sequence change replaces arginine, which is basic and polar, with glutamine, which is neutral and polar, at codon 35 of the GPD1 protein (p.Arg35Gln).

NM_005276.4(GPD1):c.104G>A (p.Arg35Gln)

Gene: GPD1 (glycerol-3-phosphate dehydrogenase 1; plus strand). Cytogenetic location: 12q13.12.
Variant type: single nucleotide variant.
Coding change: c.104G>A on transcript NM_005276.4 (MANE Select); coding-DNA position 104, G replaced by A.
Protein change: p.Arg35Gln; replaces arginine 35 with glutamine.
Molecular consequence: missense variant.
Genome position (GRCh38, 1-based): chr12:50,104,636, G>A. VCF-style: chr12-50104636-G-A. GRCh37 (hg19) VCF-style: chr12-50498419-G-A.
Other names: c.104G>A (NM_005276.2, NM_005276.3); c.104G>A, p.Arg35Gln (NM_001257199.2); short protein forms R35Q.
Identifiers: ClinVar variation 2908429 (VCV002908429.5), dbSNP rs376236464, ClinGen allele CA6561447.